The following is an entry in ClinVar:

ClinVar aggregate classification (germline): Uncertain significance (1 of 4 stars; one submission).

Conditions:
X-linked immunodeficiency with magnesium defect, Epstein-Barr virus infection and neoplasia. Identifiers: Orphanet 317476, MedGen C3275445, MONDO:0010455, OMIM 300853.

gnomAD v4.1: 2 of 1,208,684 alleles (0.00017%); highest among the groups gnomAD compares: Non-Finnish European, 0.00022%; no homozygotes.

Submission:

Labcorp Genetics (formerly Invitae), Labcorp
Classification: Uncertain significance for X-linked immunodeficiency with magnesium defect, Epstein-Barr virus infection and neoplasia. Last evaluated: 2024-02-20. Review status: criteria provided, single submitter. Criteria: Invitae Variant Classification Sherloc (09022015). Collection method: clinical testing. Allele origin: germline.
Comment: This sequence change replaces alanine, which is neutral and non-polar, with valine, which is neutral and non-polar, at codon 254 of the MAGT1 protein (p.Ala254Val). This variant is present in population databases (no rsID available, gnomAD 0.001%). This variant has not been reported in the literature in individuals affected with MAGT1-related conditions. Advanced modeling of protein sequence and biophysical properties (such as structural, functional, and spatial information, amino acid conservation, physicochemical variation, residue mobility, and thermodynamic stability) performed at Invitae indicates that this missense variant is not expected to disrupt MAGT1 protein function with a negative predictive value of 80%. In summary, the available evidence is currently insufficient to determine the role of this variant in disease. Therefore, it has been classified as a Variant of Uncertain Significance.

NM_001367916.1(MAGT1):c.665C>T (p.Ala222Val)

Gene: MAGT1 (magnesium transporter 1; minus strand). Cytogenetic location: Xq21.1.
Variant type: single nucleotide variant.
Coding change: c.665C>T on transcript NM_001367916.1 (MANE Select); coding-DNA position 665, C replaced by T.
Protein change: p.Ala222Val; replaces alanine 222 with valine.
Molecular consequence: missense variant.
Genome position (GRCh38, 1-based): chrX:77,856,740, G>A on the plus strand (C>T on the coding strand, the complement: MAGT1 is on the minus strand). VCF-style: chrX-77856740-G-A. GRCh37 (hg19) VCF-style: chrX-77112237-G-A.
Other names: c.761C>T, p.Ala254Val (NM_032121.5); short protein forms A254V, A222V.
Identifiers: ClinVar variation 3640977 (VCV003640977.2).